The following is an entry in ClinVar:

ClinVar aggregate classification (germline): Likely benign. Review status: criteria provided, multiple submitters, no conflicts (2 of 4 stars). 3 submissions from 3 submitters: Likely benign (3). Last evaluated 2025-12-31.

Conditions:
Inborn genetic diseases. Identifiers: MedGen C0950123, MeSH D030342.
GSN-related disorder. Also called: GSN-related condition.

Allele frequency attached by ClinVar (database versions not stated): ExAC 0.00005; gnomAD 0.00006; gnomAD exomes 0.00006 and 0.00009; TOPMed 0.00006; ESP Exome Variant Server 0.00015; 1000 Genomes Project 0.00020; 1000 Genomes Project 30x 0.00031.
gnomAD v4.1: 154 of 1,613,480 alleles (0.0095%); highest among the groups gnomAD compares: Non-Finnish European, 0.011%; no homozygotes.

Submissions (3):

Labcorp Genetics (formerly Invitae), Labcorp
Classification: Likely benign. Last evaluated: 2025-12-31. Review status: criteria provided, single submitter. Criteria: Invitae Variant Classification Sherloc (09022015). Collection method: clinical testing. Allele origin: germline.

PreventionGenetics, part of Exact Sciences
Classification: Likely benign for GSN-related condition. Last evaluated: 2025-03-05. Review status: criteria provided, single submitter. Criteria: ACMG Guidelines, 2015. Collection method: clinical testing. Allele origin: germline.
Comment: This variant is classified as likely benign based on ACMG/AMP sequence variant interpretation guidelines (Richards et al. 2015 PMID: 25741868, with internal and published modifications).

Ambry Genetics
Classification: Likely benign for Inborn genetic diseases. Last evaluated: 2020-07-28. Review status: criteria provided, single submitter. Criteria: Ambry Variant Classification Scheme 2023. Collection method: clinical testing. Allele origin: germline.

NM_198252.3(GSN):c.197-5C>T

Gene: GSN (gelsolin; plus strand). Cytogenetic location: 9q33.2.
Variant type: single nucleotide variant.
Coding change: c.197-5C>T on transcript NM_198252.3 (MANE Select); 5 bases into the intron before coding-DNA position 197, C replaced by T.
Molecular consequence: intron variant.
Genome position (GRCh38, 1-based): chr9:121,302,906, C>T. VCF-style: chr9-121302906-C-T. GRCh37 (hg19) VCF-style: chr9-124065184-C-T.
Other names: c.197-5C>T (NM_001353054.1, NM_001353053.1, NM_001353060.2 and 10 more transcripts); c.230-5C>T (NM_001353064.2, NM_001353066.2, NM_001353073.2 and 13 more transcripts); c.305-5C>T (NM_001127663.2); c.269-5C>T (NM_001353076.2); c.-458-5C>T (NM_001353078.2); c.248-5C>T (NM_001258029.2); c.221-5C>T (NM_001258030.2); c.350-5C>T (NM_000177.5).
Identifiers: ClinVar variation 770755 (VCV000770755.11), dbSNP rs370176994, ClinGen allele CA5220799.